The following is an entry in ClinVar:

ClinVar aggregate classification (germline): Uncertain significance (1 of 4 stars; one submission).

Conditions:
Hereditary cancer-predisposing syndrome. Also called: Tumor predisposition; Hereditary Cancer Syndrome; Hereditary neoplastic syndrome; Neoplastic Syndromes, Hereditary. Identifiers: Orphanet 140162, MedGen C0027672, MeSH D009386, MONDO:0015356.

Submission:

Ambry Genetics
Classification: Uncertain significance for Hereditary cancer-predisposing syndrome. Last evaluated: 2023-07-09. Review status: criteria provided, single submitter. Criteria: Ambry Variant Classification Scheme 2023. Collection method: clinical testing. Allele origin: germline.
Comment: The p.P269R variant (also known as c.806C>G), located in coding exon 3 of the PHOX2B gene, results from a C to G substitution at nucleotide position 806. The proline at codon 269 is replaced by arginine, an amino acid with dissimilar properties. This amino acid position is conserved. In addition, the in silico prediction for this alteration is inconclusive. Since supporting evidence is limited at this time, the clinical significance of this alteration remains unclear.

NM_003924.4(PHOX2B):c.806C>G (p.Pro269Arg)

Gene: PHOX2B (paired like homeobox 2B; minus strand). Cytogenetic location: 4p13.
Variant type: single nucleotide variant.
Coding change: c.806C>G on transcript NM_003924.4 (MANE Select); coding-DNA position 806, C replaced by G.
Protein change: p.Pro269Arg; replaces proline 269 with arginine.
Molecular consequence: missense variant.
Genome position (GRCh38, 1-based): chr4:41,745,946, G>C on the plus strand (C>G on the coding strand, the complement: PHOX2B is on the minus strand). VCF-style: chr4-41745946-G-C. GRCh37 (hg19) VCF-style: chr4-41747963-G-C.
Other names: short protein forms P269R.
Identifiers: ClinVar variation 2625344 (VCV002625344.2), dbSNP rs1350901284, ClinGen allele CA356737106.